The following is an entry in ClinVar:

NM_001371986.1(UNC80):c.152G>A (p.Arg51Gln)

Gene: UNC80 (unc-80 homolog, NALCN channel complex subunit; plus strand). Cytogenetic location: 2q34.
Variant type: single nucleotide variant.
Coding change: c.152G>A on transcript NM_001371986.1 (MANE Select); coding-DNA position 152, G replaced by A.
Protein change: p.Arg51Gln; replaces arginine 51 with glutamine.
Molecular consequence: missense variant.
Genome position (GRCh38, 1-based): chr2:209,775,899, G>A. VCF-style: chr2-209775899-G-A. GRCh37 (hg19) VCF-style: chr2-210640623-G-A.
Other names: c.152G>A, p.Arg51Gln (NM_032504.2, NM_182587.4); short protein forms R51Q.
Identifiers: ClinVar variation 1489916 (VCV001489916.4), dbSNP rs1359174506, ClinGen allele CA350130560.

ClinVar aggregate classification (germline): Uncertain significance (1 of 4 stars; one submission).

Allele frequency attached by ClinVar (database versions not stated): gnomAD exomes 0.00001.
gnomAD v4.1: 8 of 1,613,554 alleles (0.0005%); highest among the groups gnomAD compares: Non-Finnish European, 0.00059%; no homozygotes.

Submission:

Labcorp Genetics (formerly Invitae), Labcorp
Classification: Uncertain significance. Last evaluated: 2022-02-15. Review status: criteria provided, single submitter. Criteria: Invitae Variant Classification Sherloc (09022015). Collection method: clinical testing. Allele origin: germline.
Comment: In summary, the available evidence is currently insufficient to determine the role of this variant in disease. Therefore, it has been classified as a Variant of Uncertain Significance. Algorithms developed to predict the effect of missense changes on protein structure and function are either unavailable or do not agree on the potential impact of this missense change (SIFT: "Not Available"; PolyPhen-2: "Possibly Damaging"; Align-GVGD: "Not Available"). This variant has not been reported in the literature in individuals affected with UNC80-related conditions. This variant is not present in population databases (gnomAD no frequency). This sequence change replaces arginine, which is basic and polar, with glutamine, which is neutral and polar, at codon 51 of the UNC80 protein (p.Arg51Gln).